The following is an entry in ClinVar:

NM_000350.3(ABCA4):c.3292C>T (p.Arg1098Cys)

Gene: ABCA4 (ATP binding cassette subfamily A member 4; minus strand). Cytogenetic location: 1p22.1.
Variant type: single nucleotide variant.
Coding change: c.3292C>T on transcript NM_000350.3 (MANE Select); coding-DNA position 3292, C replaced by T.
Protein change: p.Arg1098Cys; replaces arginine 1098 with cysteine.
Molecular consequence: missense variant.
Genome position (GRCh38, 1-based): chr1:94,042,797, G>A on the plus strand (C>T on the coding strand, the complement: ABCA4 is on the minus strand). VCF-style: chr1-94042797-G-A. GRCh37 (hg19) VCF-style: chr1-94508353-G-A.
Other names: p.Arg1098Cys; c.3070C>T, p.Arg1024Cys (NM_001425324.1); short protein forms R1098C, R1024C.
Identifiers: ClinVar variation 236100 (VCV000236100.60), dbSNP rs756840095, ClinGen allele CA957993.

ClinVar aggregate classification (germline): Pathogenic/Likely pathogenic. Review status: criteria provided, multiple submitters, no conflicts (2 of 4 stars). 10 submissions from 10 submitters: Pathogenic (7); Likely pathogenic (2). 1 of the submissions does not count toward it. Last evaluated 2026-09-01.

Conditions:
ABCA4-related disorder. Also called: ABCA4-related disorders; ABCA4-related condition. Identifiers: MedGen CN239167.
Retinal dystrophy. Also called: Inherited retinal dystrophy. Identifiers: Orphanet 71862, MedGen C0854723, MeSH D058499, MONDO:0019118, HP:0000556.
Age related macular degeneration 2. Also called: MACULAR DEGENERATION, SENILE; MACULOPATHY, AGE-RELATED, 2; MACULOPATHY, AGE-RELATED. Identifiers: MedGen C3495438, MONDO:0007932, OMIM 153800.
Retinitis pigmentosa 19 (RP19). Also called: ABCA4-Related Retinitis Pigmentosa. Identifiers: Orphanet 791, MedGen C1866422, MONDO:0011137, OMIM 601718.
Cone-rod dystrophy 3 (CORD3). Identifiers: Orphanet 1872, MedGen C1858806, MONDO:0011395, OMIM 604116.
Severe early-childhood-onset retinal dystrophy (STGD1). Also called: MACULAR DYSTROPHY WITH FLECKS, TYPE 1; Stargardt macular dystrophy; Juvenile onset macular degeneration; Stargardt disease 1; STGD. Identifiers: Orphanet 364055, Orphanet 827, MedGen C1855465, MeSH D000080362, MONDO:0009549, OMIM 248200.

Allele frequency attached by ClinVar (database versions not stated): gnomAD exomes 0.00002; ExAC 0.00003; gnomAD 0.00006; TOPMed 0.00008.
gnomAD v4.1: 46 of 1,614,088 alleles (0.0028%); highest among the groups gnomAD compares: Middle Eastern, 0.033%; no homozygotes.

Submissions (10):

PreventionGenetics, part of Exact Sciences
Classification: Pathogenic for ABCA4-related condition. Last evaluated: 2026-09-01. Review status: criteria provided, single submitter. Criteria: ACMG Guidelines, 2015. Collection method: clinical testing. Allele origin: germline.
Comment: The ABCA4 c.3292C>T variant is predicted to result in the amino acid substitution p.Arg1098Cys. This variant has been reported along with a second ABCA4 variant in multiple individuals with Stargardt disease (see, for examples, Rivera et al. 2000. PubMed ID: 10958763; Cideciyan et al. 2008. PubMed ID: 19074458; Table S1, Stone et al. 2017. PubMed ID: 28559085; Table S1, Fujinami et al. 2018. PubMed ID: 29925512; Del Pozo-Valero et al. 2020. PubMed ID: 32619608; Table S1, Lin et al. 2024. PubMed ID: 38219857). In at least one individual, this variant was reported in the compound heterozygous state with a pathogenic ABCA4 variant (Cideciyan et al. 2008. PubMed ID: 19074458). This variant is reported in 0.0065% of alleles in individuals of South Asian descent in gnomAD. This variant is interpreted as pathogenic.

Department of Molecular Genetics, Istishari Arab Hospital
Classification: Pathogenic for Severe early-childhood-onset retinal dystrophy. Last evaluated: 2026-06-07. Review status: criteria provided, single submitter. Criteria: ACMG Guidelines, 2015. Collection method: clinical testing. Allele origin: germline. Inheritance: Autosomal recessive inheritance. Affected: yes.
Comment: The ABCA4 variant c.3292C>T, p.Arg1098Cys causes an amino acid change from Arg to Cys at position 1098 in exon 22 (out of 50 exons). This variant was previously reported in patients with ABCA4-related disorders (PMID: 37498587, 35120629, 31964843, 36460718, 32307445, 36087940, 10958763, 11702214, 17982420, 28559085, 29925512, 19265867, 30060493, 29178665, 19074458, 34426522, 31589614, 35119454, 32531858, 32619608). It is classified as pathogenic based on ACMG/AMP/ClinGen SVI guidelines.

Labcorp Genetics (formerly Invitae), Labcorp
Classification: Pathogenic. Last evaluated: 2025-08-26. Review status: criteria provided, single submitter. Criteria: Invitae Variant Classification Sherloc (09022015). Collection method: clinical testing. Allele origin: germline.
Comment: This sequence change replaces arginine, which is basic and polar, with cysteine, which is neutral and slightly polar, at codon 1098 of the ABCA4 protein (p.Arg1098Cys). This variant is present in population databases (rs756840095, gnomAD 0.006%). This missense change has been observed in individual(s) with Stargardt disease or cone rod distrophy (PMID: 19074458, 23096905, 28559085, 29925512). In at least one individual the data is consistent with being in trans (on the opposite chromosome) from a pathogenic variant. ClinVar contains an entry for this variant (Variation ID: 236100). Invitae Evidence Modeling of protein sequence and biophysical properties (such as structural, functional, and spatial information, amino acid conservation, physicochemical variation, residue mobility, and thermodynamic stability) indicates that this missense variant is expected to disrupt ABCA4 protein function with a positive predictive value of 95%. For these reasons, this variant has been classified as Pathogenic.

GeneDx
Classification: Pathogenic. Last evaluated: 2025-03-21. Review status: criteria provided, single submitter. Criteria: GeneDx Variant Classification Process June 2021. Collection method: clinical testing. Allele origin: germline. Affected: yes.
Comment: In silico analysis supports that this missense variant has a deleterious effect on protein structure/function; This variant is associated with the following publications: (PMID: 37498587, 35120629, 31964843, 36460718, 32307445, 36087940, 10958763, 11702214, 17982420, 28559085, 29925512, 19265867, 30060493, 29178665, 19074458, 34426522, 31589614, 35119454, 32531858, 32619608, Saleh2021[noPMID])

Blueprint Genetics
Classification: Pathogenic for ABCA4-related disorders. Last evaluated: 2024-10-02. Review status: criteria provided, single submitter. Criteria: ACMG Guidelines, 2015. Collection method: clinical testing. Allele origin: germline. Affected: yes. Observed: 5 variant alleles.

CeGaT Center for Human Genetics Tuebingen
Classification: Likely pathogenic. Last evaluated: 2023-03-01. Review status: criteria provided, single submitter. Criteria: CeGaT Center For Human Genetics Tuebingen Variant Classification Criteria Version 2. Collection method: clinical testing. Allele origin: germline. Affected: yes. Observed: 2 variant alleles.
Comment: ABCA4: PM1, PM2, PP1, PP3

Centre for Mendelian Genomics, University Medical Centre Ljubljana
Classification: Likely pathogenic for Age related macular degeneration 2. Last evaluated: 2020-02-04. Review status: criteria provided, single submitter. Criteria: ACMG Guidelines, 2015. Collection method: clinical testing. Allele origin: unknown. Affected: yes.
Comment: This variant was classified as: Likely pathogenic. The following ACMG criteria were applied in classifying this variant: PS1,PM1,PM2,PP3.

Institute of Human Genetics, Univ. Regensburg, Univ. Regensburg
Classification: Pathogenic for Retinal dystrophy. Last evaluated: 2020-01-01. Review status: criteria provided, single submitter. Criteria: ACMG Guidelines, 2015. Collection method: clinical testing. Allele origin: germline. Affected: yes.

Juno Genomics, Hangzhou Juno Genomics, Inc
Classification: Pathogenic for Age related macular degeneration 2; Cone-rod dystrophy 3; Severe early-childhood-onset retinal dystrophy; Retinitis pigmentosa 19. Review status: criteria provided, single submitter. Criteria: ACMG Guidelines, 2015. Collection method: clinical testing. Allele origin: germline. Affected: yes.
Comment: Absent from controls (or at extremely low frequency if recessive) in Genome Aggregation Database, Exome Sequencing Project, 1000 Genomes Project, or Exome Aggregation Consortium.;Multiple lines of computational evidence support a deleterious effect on the gene or gene product (conservation, evolutionary, splicing impact, etc).;For recessive disorders, detected in trans with a pathogenic variant.

Ophthalmo-Genetics Lab, Instituto de Oftalmologia Conde de Valenciana
Classification: Pathogenic for Severe early-childhood-onset retinal dystrophy. Review status: no assertion criteria provided. Collection method: research. Allele origin: germline. Inheritance: Autosomal recessive inheritance. Affected: yes. Not counted in ClinVar's aggregate classification.

Literature cited by the submitters: PubMed 37498587 (cited by Department of Molecular Genetics, Istishari Arab Hospital); PubMed 35120629 (cited by Department of Molecular Genetics, Istishari Arab Hospital); PubMed 31964843 (cited by Department of Molecular Genetics, Istishari Arab Hospital and Institute of Human Genetics, Univ. Regensburg, Univ. Regensburg); PubMed 36460718 (cited by Department of Molecular Genetics, Istishari Arab Hospital and Institute of Human Genetics, Univ. Regensburg, Univ. Regensburg); PubMed 32307445 (cited by Department of Molecular Genetics, Istishari Arab Hospital and Institute of Human Genetics, Univ. Regensburg, Univ. Regensburg); PubMed 36087940 (cited by Department of Molecular Genetics, Istishari Arab Hospital); PubMed 10958763 (cited by Department of Molecular Genetics, Istishari Arab Hospital and Institute of Human Genetics, Univ. Regensburg, Univ. Regensburg); PubMed 11702214 (cited by Department of Molecular Genetics, Istishari Arab Hospital); PubMed 17982420 (cited by Department of Molecular Genetics, Istishari Arab Hospital); PubMed 28559085 (cited by 3 submitters); PubMed 29925512 (cited by 3 submitters); PubMed 19265867 (cited by Department of Molecular Genetics, Istishari Arab Hospital); PubMed 30060493 (cited by Department of Molecular Genetics, Istishari Arab Hospital); PubMed 29178665 (cited by Department of Molecular Genetics, Istishari Arab Hospital); PubMed 19074458 (cited by 3 submitters); PubMed 34426522 (cited by Department of Molecular Genetics, Istishari Arab Hospital and Institute of Human Genetics, Univ. Regensburg, Univ. Regensburg); PubMed 31589614 (cited by Department of Molecular Genetics, Istishari Arab Hospital and Institute of Human Genetics, Univ. Regensburg, Univ. Regensburg); PubMed 35119454 (cited by Department of Molecular Genetics, Istishari Arab Hospital and Institute of Human Genetics, Univ. Regensburg, Univ. Regensburg); PubMed 32531858 (cited by Department of Molecular Genetics, Istishari Arab Hospital and Institute of Human Genetics, Univ. Regensburg, Univ. Regensburg); PubMed 32619608 (cited by Department of Molecular Genetics, Istishari Arab Hospital and Institute of Human Genetics, Univ. Regensburg, Univ. Regensburg); PubMed 23096905 (cited by Labcorp Genetics (formerly Invitae), Labcorp); PubMed 28118664 (cited by Institute of Human Genetics, Univ. Regensburg, Univ. Regensburg); PubMed 23982839 (cited by Ophthalmo-Genetics Lab, Instituto de Oftalmologia Conde de Valenciana).